The following is an entry in ClinVar:

ClinVar aggregate classification (germline): Conflicting classifications of pathogenicity. Review status: criteria provided, conflicting classifications (1 of 4 stars). 2 submissions from 2 submitters: Uncertain significance (1); Likely benign (1). Last evaluated 2025-05-13.

Allele frequency attached by ClinVar (database versions not stated): gnomAD exomes below 0.00001; TOPMed 0.00001.
gnomAD v4.1: 6 of 1,577,300 alleles (0.00038%); highest among the groups gnomAD compares: South Asian, 0.0058%; no homozygotes.

Submissions (2):

Labcorp Genetics (formerly Invitae), Labcorp
Classification: Likely benign. Last evaluated: 2025-05-13. Review status: criteria provided, single submitter. Criteria: Invitae Variant Classification Sherloc (09022015). Collection method: clinical testing. Allele origin: germline.

CeGaT Center for Human Genetics Tuebingen
Classification: Uncertain significance. Last evaluated: 2023-10-01. Review status: criteria provided, single submitter. Criteria: CeGaT Center For Human Genetics Tuebingen Variant Classification Criteria Version 2. Collection method: clinical testing. Allele origin: germline. Affected: yes. Observed: 1 variant allele.
Comment: ADCY5: PM2:Supporting, BP4

NM_183357.3(ADCY5):c.1126C>T (p.Leu376=)

Gene: ADCY5 (adenylate cyclase 5; minus strand). Cytogenetic location: 3q21.1.
Variant type: single nucleotide variant.
Coding change: c.1126C>T on transcript NM_183357.3 (MANE Select); coding-DNA position 1126, C replaced by T.
Protein change: p.Leu376=; no amino-acid change (leucine 376 retained).
Molecular consequence: synonymous variant.
Genome position (GRCh38, 1-based): chr3:123,447,420, G>A on the plus strand (C>T on the coding strand, the complement: ADCY5 is on the minus strand). VCF-style: chr3-123447420-G-A. GRCh37 (hg19) VCF-style: chr3-123166267-G-A.
Other names: c.1126C>T, p.Leu376= (NM_001378259.1).
Identifiers: ClinVar variation 2654080 (VCV002654080.25), dbSNP rs1266876998, ClinGen allele CA435437702.